The following is an entry in ClinVar:

ClinVar aggregate classification (germline): Pathogenic/Likely pathogenic. Review status: criteria provided, multiple submitters, no conflicts (2 of 4 stars). 2 submissions from 2 submitters: Pathogenic (1); Likely pathogenic (1). Last evaluated 2024-04-20.

Conditions:
Arthrogryposis multiplex congenita 6. Identifiers: MedGen C5543431, MONDO:0030281, OMIM 619334.
Nemaline myopathy 2 (NEM2). Also called: Nemaline myopathy 2, autosomal recessive. Identifiers: MedGen C1850569, MONDO:0009725, OMIM 256030.

Submissions (2):

Fulgent Genetics
Classification: Likely pathogenic for Nemaline myopathy 2; Arthrogryposis multiplex congenita 6. Last evaluated: 2024-04-20. Review status: criteria provided, single submitter. Criteria: ACMG Guidelines, 2015. Collection method: clinical testing. Allele origin: germline.

Labcorp Genetics (formerly Invitae), Labcorp
Classification: Pathogenic for Nemaline myopathy 2. Last evaluated: 2022-10-26. Review status: criteria provided, single submitter. Criteria: Invitae Variant Classification Sherloc (09022015). Collection method: clinical testing. Allele origin: germline.
Comment: This sequence change creates a premature translational stop signal (p.Tyr886*) in the NEB gene. It is expected to result in an absent or disrupted protein product. Loss-of-function variants in NEB are known to be pathogenic (PMID: 25205138). This variant is not present in population databases (gnomAD no frequency). This variant has not been reported in the literature in individuals affected with NEB-related conditions. For these reasons, this variant has been classified as Pathogenic.

Literature cited by the submitters: PubMed 25205138 (cited by Labcorp Genetics (formerly Invitae), Labcorp).

NM_001164508.2(NEB):c.2658T>G (p.Tyr886Ter)

Gene: NEB (nebulin; minus strand). Cytogenetic location: 2q23.3.
Variant type: single nucleotide variant.
Coding change: c.2658T>G on transcript NM_001164508.2 (MANE Select); coding-DNA position 2658, T replaced by G.
Protein change: p.Tyr886Ter; replaces tyrosine 886 with a stop codon.
Molecular consequence: nonsense.
Genome position (GRCh38, 1-based): chr2:151,684,955, A>C on the plus strand (T>G on the coding strand, the complement: NEB is on the minus strand). VCF-style: chr2-151684955-A-C. GRCh37 (hg19) VCF-style: chr2-152541469-A-C.
Other names: c.2658T>G, p.Tyr886Ter (NM_001164507.2, NM_001271208.2, NM_004543.5); short protein forms Y886*.
Identifiers: ClinVar variation 2036281 (VCV002036281.5), dbSNP rs2552265386, ClinGen allele CA348822453.